The following is an entry in ClinVar:

ClinVar aggregate classification (germline): Uncertain significance (1 of 4 stars; one submission).

Conditions:
Fanconi anemia complementation group J. Also called: BRIP1-Related Fanconi Anemia. Identifiers: Orphanet 84, MedGen C1836860, MONDO:0012187, OMIM 609054.
Familial cancer of breast. Also called: hereditary breast carcinoma; BREAST CANCER, FAMILIAL; Hereditary breast cancer. Identifiers: Orphanet 227535, MedGen C0346153, MONDO:0016419, OMIM 114480. Disease mechanism: loss of function.

Submission:

Labcorp Genetics (formerly Invitae), Labcorp
Classification: Uncertain significance for Familial cancer of breast; Fanconi anemia complementation group J. Last evaluated: 2019-03-13. Review status: criteria provided, single submitter. Criteria: Invitae Variant Classification Sherloc (09022015). Collection method: clinical testing. Allele origin: germline.
Comment: In summary, the available evidence is currently insufficient to determine the role of this variant in disease. Therefore, it has been classified as a Variant of Uncertain Significance. Algorithms developed to predict the effect of missense changes on protein structure and function output the following: SIFT: "Tolerated"; PolyPhen-2: "Benign"; Align-GVGD: "Class C0". The leucine amino acid residue is found in multiple mammalian species, suggesting that this missense change does not adversely affect protein function. These predictions have not been confirmed by published functional studies and their clinical significance is uncertain. This variant has not been reported in the literature in individuals with BRIP1-related conditions. This variant is not present in population databases (ExAC no frequency). This sequence change replaces valine with leucine at codon 984 of the BRIP1 protein (p.Val984Leu). The valine residue is weakly conserved and there is a small physicochemical difference between valine and leucine.

NM_032043.3(BRIP1):c.2950G>T (p.Val984Leu)

Gene: BRIP1 (BRCA1 interacting DNA helicase 1; minus strand). Cytogenetic location: 17q23.2.
Variant type: single nucleotide variant.
Coding change: c.2950G>T on transcript NM_032043.3 (MANE Select); coding-DNA position 2950, G replaced by T.
Protein change: p.Val984Leu; replaces valine 984 with leucine.
Molecular consequence: missense variant.
Genome position (GRCh38, 1-based): chr17:61,684,096, C>A on the plus strand (G>T on the coding strand, the complement: BRIP1 is on the minus strand). VCF-style: chr17-61684096-C-A. GRCh37 (hg19) VCF-style: chr17-59761457-C-A.
Other names: short protein forms V984L.
Identifiers: ClinVar variation 860113 (VCV000860113.10), dbSNP rs2061325330, ClinGen allele CA400480679.